The following is an entry in ClinVar:

NM_003477.3(PDHX):c.*114A>G

Gene: PDHX (pyruvate dehydrogenase complex component X; plus strand). Cytogenetic location: 11p13.
Variant type: single nucleotide variant.
Coding change: c.*114A>G on transcript NM_003477.3 (MANE Select); 114 bases downstream of the stop codon, A replaced by G.
Molecular consequence: 3 prime UTR variant.
Genome position (GRCh38, 1-based): chr11:34,995,286, A>G. VCF-style: chr11-34995286-A-G. GRCh37 (hg19) VCF-style: chr11-35016833-A-G.
Other names: c.*114A>G (NM_001135024.2, NM_001166158.2).
Identifiers: ClinVar variation 304475 (VCV000304475.6), dbSNP rs76663700, ClinGen allele CA10634715.

ClinVar aggregate classification (germline): Likely benign. Review status: criteria provided, multiple submitters, no conflicts (2 of 4 stars). 2 submissions from 2 submitters: Likely benign (2). Last evaluated 2018-01-12.

Conditions:
Pyruvate dehydrogenase E3-binding protein deficiency (PDHXD). Also called: E3-Binding Protein (Component X) Deficiency; LACTIC ACIDEMIA DUE TO DEFECT IN LIPOYL-CONTAINING COMPONENT X OF THE PYRUVATE DEHYDROGENASE COMPLEX; Lacticacidemia due to PDX1 deficiency; PYRUVATE HYDROGENASE E3-BINDING PROTEIN DEFICIENCY. Identifiers: Orphanet 255182, MedGen C1855553, MONDO:0009503, OMIM 245349.

Allele frequency attached by ClinVar (database versions not stated): 1000 Genomes Project 0.00459; 1000 Genomes Project 30x 0.00500; gnomAD 0.00916 and 0.00931; TOPMed 0.00955.
gnomAD v4.1: 14,019 of 1,198,552 alleles (1.2%); highest among the groups gnomAD compares: Non-Finnish European, 1.5%; 112 homozygotes.

Submissions (2):

Illumina Laboratory Services, Illumina
Classification: Likely benign for Pyruvate dehydrogenase E3-binding protein deficiency. Last evaluated: 2018-01-12. Review status: criteria provided, single submitter. Criteria: ICSL Variant Classification Criteria 13 December 2019. Collection method: clinical testing. Allele origin: germline.
Comment: This variant was observed in the ICSL laboratory as part of a predisposition screen in an ostensibly healthy population. It had not been previously curated by ICSL or reported in the Human Gene Mutation Database (HGMD: prior to June 1st, 2018), and was therefore a candidate for classification through an automated scoring system. Utilizing variant allele frequency, disease prevalence and penetrance estimates, and inheritance mode, an automated score was calculated to assess if this variant is too frequent to cause the disease. Based on the score and internal cut-off values, a variant classified as likely benign is not then subjected to further curation. The score for this variant resulted in a classification of likely benign for this disease.

Breakthrough Genomics
Classification: Likely benign. Review status: criteria provided, single submitter. Criteria: ACMG Guidelines, 2015. Collection method: not provided. Allele origin: germline. Inheritance: Autosomal recessive inheritance. Affected: yes.